The following is an entry in ClinVar:

ClinVar aggregate classification (germline): Uncertain significance (1 of 4 stars; one submission).

Conditions:
Retinoblastoma (RB1). Also called: RETINOBLASTOMA, SOMATIC. Identifiers: Orphanet 790, MedGen C0035335, MeSH D012175, MONDO:0008380, OMIM 180200, HP:0009919. Disease mechanism: loss of function. Inheritance: Both sporadic and heritable forms are tested..

gnomAD v4.1: 16 of 1,494,964 alleles (0.0011%); highest among the groups gnomAD compares: Non-Finnish European, 0.0013%; no homozygotes.

Submission:

Labcorp Genetics (formerly Invitae), Labcorp
Classification: Uncertain significance for Retinoblastoma. Last evaluated: 2025-11-02. Review status: criteria provided, single submitter. Criteria: Invitae Variant Classification Sherloc (09022015). Collection method: clinical testing. Allele origin: germline.
Comment: This variant occurs in a non-coding region of the RB1 gene. It does not change the encoded amino acid sequence of the RB1 protein. This variant is not present in population databases (gnomAD no frequency). This variant has not been reported in the literature in individuals affected with RB1-related conditions. In summary, the available evidence is currently insufficient to determine the role of this variant in disease. Therefore, it has been classified as a Variant of Uncertain Significance.

NM_000321.3(RB1):c.-71C>T

Gene: RB1 (RB transcriptional corepressor 1; plus strand). Cytogenetic location: 13q14.2.
Variant type: single nucleotide variant.
Coding change: c.-71C>T on transcript NM_000321.3 (MANE Select); 71 bases upstream of the start codon, C replaced by T.
Molecular consequence: 5 prime UTR variant.
Genome position (GRCh38, 1-based): chr13:48,303,842, C>T. VCF-style: chr13-48303842-C-T. GRCh37 (hg19) VCF-style: chr13-48877978-C-T.
Other names: c.-71C>T (NM_001407165.1, NM_001407166.1, NM_001407167.1).
Identifiers: ClinVar variation 4807628 (VCV004807628.1).